The following is an entry in ClinVar:

NM_004082.5(DCTN1):c.1697C>G (p.Ala566Gly)

Gene: DCTN1 (dynactin subunit 1; minus strand). Cytogenetic location: 2p13.1.
Variant type: single nucleotide variant.
Coding change: c.1697C>G on transcript NM_004082.5 (MANE Select); coding-DNA position 1697, C replaced by G.
Protein change: p.Ala566Gly; replaces alanine 566 with glycine.
Molecular consequence: missense variant. On other transcripts: non-coding transcript variant (1).
Genome position (GRCh38, 1-based): chr2:74,369,102, G>C on the plus strand (C>G on the coding strand, the complement: DCTN1 is on the minus strand). VCF-style: chr2-74369102-G-C. GRCh37 (hg19) VCF-style: chr2-74596229-G-C.
Other names: c.1637C>G, p.Ala546Gly (NM_001135040.3); c.1295C>G, p.Ala432Gly (NM_001135041.3, NM_023019.4); c.1586C>G, p.Ala529Gly (NM_001190836.2); c.1676C>G, p.Ala559Gly (NM_001190837.2); c.1646C>G, p.Ala549Gly (NM_001378991.1); c.1628C>G, p.Ala543Gly (NM_001378992.1); short protein forms A432G, A543G, A529G, A546G, A549G, A559G, A566G.
Identifiers: ClinVar variation 2949051 (VCV002949051.4), dbSNP rs1408015982, ClinGen allele CA347356574.

ClinVar aggregate classification (germline): Uncertain significance. Review status: criteria provided, single submitter (1 of 4 stars). 2 submissions from 2 submitters: Uncertain significance (1). 1 of the submissions does not count toward it. Last evaluated 2023-12-08.

Conditions:
DCTN1-related disorder. Also called: DCTN1-related condition.
Amyotrophic lateral sclerosis type 1 (ALS1). Also called: AMYOTROPHIC LATERAL SCLEROSIS 1, FAMILIAL. Identifiers: Orphanet 803, MedGen C1862939, MONDO:0007103, OMIM 105400.
Neuronopathy, distal hereditary motor, type 7B. Also called: HMN VIIB; LOWER MOTOR NEURON DISEASE, DYNACTIN TYPE; NEURONOPATHY, DISTAL HEREDITARY MOTOR, AUTOSOMAL DOMINANT 14; NEURONOPATHY, DISTAL HEREDITARY MOTOR, HARDING TYPE VIIB; NEUROPATHY, DISTAL HEREDITARY MOTOR, HARDING TYPE VIIB; NEUROPATHY, DISTAL HEREDITARY MOTOR, WITH VOCAL CORD PARALYSIS, HARDING TYPE VIIB. Identifiers: Orphanet 139589, MedGen C1843315, MONDO:0011879, OMIM 607641.
Perry syndrome. Also called: PARKINSONISM WITH ALVEOLAR HYPOVENTILATION AND MENTAL DEPRESSION. Identifiers: Orphanet 178509, MedGen C1868594, MONDO:0008201, OMIM 168605.

gnomAD v4.1: 1 of 1,614,136 alleles (0.000062%); no homozygotes.

Submissions (2):

Labcorp Genetics (formerly Invitae), Labcorp
Classification: Uncertain significance for Amyotrophic lateral sclerosis type 1; Neuronopathy, distal hereditary motor, type 7B; Perry syndrome. Last evaluated: 2023-12-08. Review status: criteria provided, single submitter. Criteria: Invitae Variant Classification Sherloc (09022015). Collection method: clinical testing. Allele origin: germline.
Comment: This sequence change replaces alanine, which is neutral and non-polar, with glycine, which is neutral and non-polar, at codon 566 of the DCTN1 protein (p.Ala566Gly). This variant is present in population databases (no rsID available, gnomAD 0.004%). This variant has not been reported in the literature in individuals affected with DCTN1-related conditions. Advanced modeling of protein sequence and biophysical properties (such as structural, functional, and spatial information, amino acid conservation, physicochemical variation, residue mobility, and thermodynamic stability) performed at Invitae indicates that this missense variant is not expected to disrupt DCTN1 protein function with a negative predictive value of 80%. In summary, the available evidence is currently insufficient to determine the role of this variant in disease. Therefore, it has been classified as a Variant of Uncertain Significance.

PreventionGenetics, part of Exact Sciences
Classification: Uncertain significance for DCTN1-related condition. Last evaluated: 2023-12-06. Review status: no assertion criteria provided. Collection method: clinical testing. Allele origin: germline. Not counted in ClinVar's aggregate classification.
Comment: The DCTN1 c.1697C>G variant is predicted to result in the amino acid substitution p.Ala566Gly. To our knowledge, this variant has not been reported in the literature. This variant is reported in 0.0046% of alleles in individuals of European (Finnish) descent in gnomAD. At this time, the clinical significance of this variant is uncertain due to the absence of conclusive functional and genetic evidence.